The following is an entry in ClinVar:

ClinVar aggregate classification (germline): Likely benign. Review status: criteria provided, multiple submitters, no conflicts (2 of 4 stars). 4 submissions from 4 submitters: Likely benign (3). 1 of the submissions does not count toward it. Last evaluated 2025-12-02.

Conditions:
SRP72-related disorder. Also called: SRP72-related condition.

Allele frequency attached by ClinVar (database versions not stated): gnomAD exomes 0.00003 and 0.00004; ExAC 0.00007; 1000 Genomes Project 30x 0.00016; 1000 Genomes Project 0.00020; ESP Exome Variant Server 0.00023; gnomAD 0.00023 and 0.00025; TOPMed 0.00025.
gnomAD v4.1: 76 of 1,611,742 alleles (0.0047%); highest among the groups gnomAD compares: African/African-American, 0.085%; no homozygotes.

Submissions (4):

Labcorp Genetics (formerly Invitae), Labcorp
Classification: Likely benign. Last evaluated: 2025-12-02. Review status: criteria provided, single submitter. Criteria: Invitae Variant Classification Sherloc (09022015). Collection method: clinical testing. Allele origin: germline.

Ambry Genetics
Classification: Likely benign. Last evaluated: 2024-10-04. Review status: criteria provided, single submitter. Criteria: Ambry Variant Classification Scheme 2023. Collection method: clinical testing. Allele origin: germline.

Blueprint Genetics
Classification: Likely benign. Last evaluated: 2022-09-09. Review status: criteria provided, single submitter. Criteria: ACMG Guidelines, 2015. Collection method: clinical testing. Allele origin: germline.

PreventionGenetics, part of Exact Sciences
Classification: Likely benign for SRP72-related condition. Last evaluated: 2022-09-13. Review status: no assertion criteria provided. Collection method: clinical testing. Allele origin: germline. Not counted in ClinVar's aggregate classification.
Comment: This variant is classified as likely benign based on ACMG/AMP sequence variant interpretation guidelines (Richards et al. 2015 PMID: 25741868, with internal and published modifications).

NM_006947.4(SRP72):c.873G>A (p.Ala291=)

Gene: SRP72 (signal recognition particle 72; plus strand). Cytogenetic location: 4q12.
Variant type: single nucleotide variant.
Coding change: c.873G>A on transcript NM_006947.4 (MANE Select); coding-DNA position 873, G replaced by A.
Protein change: p.Ala291=; no amino-acid change (alanine 291 retained).
Molecular consequence: synonymous variant. On other transcripts: non-coding transcript variant (1).
Genome position (GRCh38, 1-based): chr4:56,483,186, G>A. VCF-style: chr4-56483186-G-A. GRCh37 (hg19) VCF-style: chr4-57349352-G-A.
Other names: c.873G>A (NM_006947.3); c.690G>A, p.Ala230= (NM_001267722.2).
Identifiers: ClinVar variation 1615245 (VCV001615245.12), dbSNP rs138988524, ClinGen allele CA2931207.